The following is an entry in ClinVar:

NM_001367624.2(ZNF469):c.765_770dup (p.254EP[3])

Gene: ZNF469 (zinc finger protein 469; plus strand). Cytogenetic location: 16q24.2.
Variant type: Duplication.
Coding change: c.765_770dup on transcript NM_001367624.2 (MANE Select); coding-DNA positions 765 to 770, 6 bases duplicated (GGAACC; older notation c.765_770dupGGAACC).
Protein change: p.254EP[3].
Molecular consequence: inframe insertion.
Genome position (GRCh38, 1-based): chr16:88,428,235-88,428,240, GGAACC duplicated; duplicating any 6 consecutive bases within chr16:88,428,233-88,428,240 gives the same sequence; the c. name uses the placement nearest the transcript's 3' end. VCF-style (leftmost placement, unchanged base first): chr16-88428232-G-GCCGGAA. GRCh37 (hg19) VCF-style: chr16-88494640-G-GCCGGAA.
Other names: NM_001127464.2:c.765_770dup6.
Identifiers: ClinVar variation 1385261 (VCV001385261.8), dbSNP rs1905840452, ClinGen allele CA980296222.

ClinVar aggregate classification (germline): Uncertain significance. Review status: criteria provided, multiple submitters, no conflicts (2 of 4 stars). 3 submissions from 3 submitters: Uncertain significance (3). Last evaluated 2026-04-28.

Conditions:
ZNF469-related disorder. Also called: ZNF469-related condition.
Brittle cornea syndrome 1 (BCS1). Also called: Corneal fragility keratoglobus, blue sclerae AND joint hypermobility; EDS6B; FRAGILITAS OCULI WITH JOINT HYPEREXTENSIBILITY; DYSGENESIS MESODERMALIS CORNEAE ET SCLERAE; CORNEAL FRAGILITY, KERATOGLOBUS, BLUE SCLERAE, JOINT HYPEREXTENSIBILITY. Identifiers: Orphanet 90354, MedGen C0268344, MONDO:0024543, OMIM 229200.

Submissions (3):

PreventionGenetics, part of Exact Sciences
Classification: Uncertain significance for ZNF469-related condition. Last evaluated: 2026-04-28. Review status: criteria provided, single submitter. Criteria: ACMG Guidelines, 2015. Collection method: clinical testing. Allele origin: germline.
Comment: The ZNF469 c.765_770dup6 variant is predicted to result in an in-frame duplication (p.Glu256_Pro257dup). To our knowledge, this variant has not been reported in the literature or in a large population database (gnomAD), indicating this variant is rare. At this time, the clinical significance of this variant is uncertain due to the absence of conclusive functional and genetic evidence.

Fulgent Genetics
Classification: Uncertain significance for Brittle cornea syndrome 1. Last evaluated: 2024-03-01. Review status: criteria provided, single submitter. Criteria: ACMG Guidelines, 2015. Collection method: clinical testing. Allele origin: germline.

Labcorp Genetics (formerly Invitae), Labcorp
Classification: Uncertain significance. Last evaluated: 2022-09-27. Review status: criteria provided, single submitter. Criteria: Invitae Variant Classification Sherloc (09022015). Collection method: clinical testing. Allele origin: germline.
Comment: This variant, c.765_770dup, results in the insertion of 2 amino acid(s) of the ZNF469 protein (p.Glu256_Pro257dup), but otherwise preserves the integrity of the reading frame. This variant is not present in population databases (gnomAD no frequency). This variant has not been reported in the literature in individuals affected with ZNF469-related conditions. ClinVar contains an entry for this variant (Variation ID: 1385261). Experimental studies and prediction algorithms are not available or were not evaluated, and the functional significance of this variant is currently unknown. In summary, the available evidence is currently insufficient to determine the role of this variant in disease. Therefore, it has been classified as a Variant of Uncertain Significance.